The following is an entry in ClinVar:

ClinVar aggregate classification (germline): Uncertain significance (1 of 4 stars; one submission).

Conditions:
Orofaciodigital syndrome I (OFD1). Also called: OFDS I; Papillon-Leage and Psaume Syndrome; Oral-Facial-Digital Syndrome Type I. Identifiers: Orphanet 2750, MedGen C1510460, MONDO:0010702, OMIM 311200.
Joubert syndrome. Also called: JOUBERT-BOLTSHAUSER SYNDROME; Familial aplasia of the vermis. Identifiers: Orphanet 475, MedGen C5979921, MONDO:0018772.

Allele frequency attached by ClinVar (database versions not stated): gnomAD 0.00001; ExAC 0.00001; gnomAD exomes 0.00001.

Submission:

Labcorp Genetics (formerly Invitae), Labcorp
Classification: Uncertain significance for Orofaciodigital syndrome I; Joubert syndrome. Last evaluated: 2022-07-30. Review status: criteria provided, single submitter. Criteria: Invitae Variant Classification Sherloc (09022015). Collection method: clinical testing. Allele origin: germline.
Comment: This sequence change replaces arginine, which is basic and polar, with tryptophan, which is neutral and slightly polar, at codon 654 of the OFD1 protein (p.Arg654Trp). In summary, the available evidence is currently insufficient to determine the role of this variant in disease. Therefore, it has been classified as a Variant of Uncertain Significance. Algorithms developed to predict the effect of missense changes on protein structure and function are either unavailable or do not agree on the potential impact of this missense change (SIFT: "Deleterious"; PolyPhen-2: "Possibly Damaging"; Align-GVGD: "Class C0"). ClinVar contains an entry for this variant (Variation ID: 1415737). This variant has not been reported in the literature in individuals affected with OFD1-related conditions. This variant is present in population databases (rs779709673, gnomAD 0.002%).

NM_003611.3(OFD1):c.1960C>T (p.Arg654Trp)

Gene: OFD1 (OFD1 centriole and centriolar satellite protein; plus strand). Cytogenetic location: Xp22.2.
Variant type: single nucleotide variant.
Coding change: c.1960C>T on transcript NM_003611.3 (MANE Select); coding-DNA position 1960, C replaced by T.
Protein change: p.Arg654Trp; replaces arginine 654 with tryptophan.
Molecular consequence: missense variant.
Genome position (GRCh38, 1-based): chrX:13,760,420, C>T. VCF-style: chrX-13760420-C-T. GRCh37 (hg19) VCF-style: chrX-13778539-C-T.
Other names: c.1840C>T, p.Arg614Trp (NM_001330209.2); c.1540C>T, p.Arg514Trp (NM_001330210.2); short protein forms R514W, R614W, R654W.
Identifiers: ClinVar variation 1415737 (VCV001415737.7), dbSNP rs779709673, ClinGen allele CA10351911.